The following is an entry in ClinVar:

NM_001130438.3(SPTAN1):c.55C>T (p.Arg19Trp)

Gene: SPTAN1 (spectrin alpha, non-erythrocytic 1; plus strand). Cytogenetic location: 9q34.11.
Variant type: single nucleotide variant.
Coding change: c.55C>T on transcript NM_001130438.3 (MANE Select); coding-DNA position 55, C replaced by T.
Protein change: p.Arg19Trp; replaces arginine 19 with tryptophan.
Molecular consequence: missense variant.
Genome position (GRCh38, 1-based): chr9:128,566,795, C>T. VCF-style: chr9-128566795-C-T. GRCh37 (hg19) VCF-style: chr9-131329074-C-T.
Other names: p.R19W; NM_003127.4:c.55C>T; c.55C>T, p.Arg19Trp (NM_001195532.2, NM_001363759.2, NM_001363765.2 and 1 more transcripts); short protein forms R19W.
Identifiers: ClinVar variation 427111 (VCV000427111.76), dbSNP rs748232676, ClinGen allele CA375049451.

ClinVar aggregate classification (germline): Conflicting classifications of pathogenicity. Review status: criteria provided, conflicting classifications (1 of 4 stars). 16 submissions from 16 submitters: Pathogenic (12); Likely pathogenic (1); Uncertain significance (1). 2 of the submissions do not count toward it. Last evaluated 2026-08-12.

Conditions:
Neuronopathy, distal hereditary motor, autosomal dominant 11. Also called: NEUROPATHY, DISTAL HEREDITARY MOTOR, 11. Identifiers: MedGen C5882697, MONDO:0957875, OMIM 620528.
Spastic paraplegia 91, autosomal dominant, with or without cerebellar ataxia (SPG91). Identifiers: MedGen C5882701, MONDO:0957813, OMIM 620538.
SPTAN1-related disorder. Also called: SPTAN1-related disorders; SPTAN1-related condition.
Inborn genetic diseases. Identifiers: MedGen C0950123, MeSH D030342.
Early-infantile DEE. Also called: Early infantile epileptic encephalopathy with suppression bursts; Ohtahara syndrome; Early infantile epileptic encephalopathy. Identifiers: Orphanet 1934, MedGen C0393706, MONDO:0800491.

Submissions 1 to 8 of 16:

Broad Center for Mendelian Genomics, Broad Institute of MIT and Harvard
Classification: Pathogenic for Spastic paraplegia 91, autosomal dominant, with or without cerebellar ataxia. Last evaluated: 2026-08-12. Review status: criteria provided, single submitter. Criteria: ACMG Guidelines, 2015. Collection method: research. Allele origin: germline. Inheritance: Autosomal dominant inheritance. Study: GREGoR Consortium.
Comment: The heterozygous p.Arg19Trp variant in SPTAN1 was identified by our study in 2 siblings with hereditary spastic paraplegia. The p.Arg19Trp variant in SPTAN1 has been reported in at least 14 unrelated families with hereditary spastic paraplegia (PMID: 35150594, 36331550, 38168508), segregated with disease in 15 affected relatives from 5 families (PMID: 35150594, 36331550), and was absent from large population studies. This variant has also been reported in ClinVar (Variation ID: 427111) and has been interpreted as pathogenic/likely pathogenic by several submitters. This variant is assumed de novo in at least 4 individuals, but maternity and paternity have not been confirmed (PMID: 35150594, 36331550). The number of reported affected individuals with this variant is greater than expected compared to non-affected individuals with this variant. In vitro functional studies provide some evidence that the p.Arg19Trp variant may impact protein function (PMID: 36331550). However, these types of assays may not accurately represent biological function. In summary, this variant meets criteria to be classified as pathogenic for autosomal dominant hereditary spastic paraplegia. ACMG/AMP Criteria applied: PP1_strong, PS4, PM6, PS3_moderate, PP2, PM2_supporting (Richards 2015).

Victorian Clinical Genetics Services, Murdoch Childrens Research Institute
Classification: Pathogenic for Spastic paraplegia 91, autosomal dominant, with or without cerebellar ataxia. Last evaluated: 2026-07-03. Review status: criteria provided, single submitter. Criteria: ACMG Guidelines, 2015. Collection method: clinical testing. Allele origin: germline. Affected: yes.
Comment: This variant is classified as Pathogenic. Evidence in support of pathogenic classification: Variant is absent from gnomAD (v4); This variant has strong previous evidence of pathogenicity in unrelated individuals. It has been classified many times as pathogenic and likely pathogenic and once as VUS by clinical laboratories, including in de novo individuals (ClinVar, personal communication). In addition, it has been reported in multiple individuals with pure or complex hereditary spastic paraplegia, with at least one de novo individual in the literature (PMIDs: 36331550, 35150594, VCGS cohort); Missense variant predicted to be damaging by in silico tool(s) or highly conserved with a major amino acid change. Additional information: Variant is predicted to result in a missense amino acid change from Arg to Trp; This variant is heterozygous; This gene is associated with autosomal dominant disease; Alternative amino acid change(s) at the same position are present in gnomAD (highest allele count: v4: 2 heterozygote(s), 0 homozygote(s)); Variant is located in the N-terminal tetramerization domain (PMID: 36331550); Dominant negative and loss of function are known mechanisms of disease in this gene and are associated with developmental and epileptic encephalopathy 5 (MIM#613477), developmental delay with or without epilepsy (MIM#620540), neuronopathy, distal hereditary motor, autosomal dominant 11 (MIM# 620528), and spastic paraplegia 91, autosomal dominant, with or without cerebellar ataxia (MIM#620538); Variants in this gene are known to have variable expressivity. Intrafamilial variability has been described (PMID: 32811770, PMID: 31332438).

Ambry Genetics
Classification: Pathogenic for Inborn genetic diseases. Last evaluated: 2025-07-23. Review status: criteria provided, single submitter. Criteria: Ambry Variant Classification Scheme 2023. Collection method: clinical testing. Allele origin: germline.
Comment: The c.55C>T (p.R19W) alteration is located in exon 2 (coding exon 1) of the SPTAN1 gene. This alteration results from a C to T substitution at nucleotide position 55, causing the arginine (R) at amino acid position 19 to be replaced by a tryptophan (W). for SPTAN1-related neurologic disorders; however, its clinical significance for SPTAN1-related developmental and epileptic encephalopathy is uncertain. This variant was not reported in population-based cohorts in the Genome Aggregation Database (gnomAD). This variant was reported in individuals with features consistent with SPTAN1-related neurologic disorders; in at least one individual, it was determined to be de novo (Van de Vondel, 2022; Morsy, 2023; Santana Almansa, 2024). This variant also segregated with disease in at least one family (Van de Vondel, 2022). This amino acid position is highly conserved in available vertebrate species. The in silico prediction for this alteration is inconclusive. Based on the available evidence, this alteration is classified as pathogenic.

3billion
Classification: Pathogenic for SPTAN1-related disorder. Last evaluated: 2025-07-14. Review status: criteria provided, single submitter. Criteria: ACMG Guidelines, 2015. Collection method: clinical testing. Allele origin: germline. Affected: yes.
Comment: The variant is not observed in the gnomAD v4.1.0 dataset. Predicted Consequence/Location: Missense variant Damaging effect on gene or gene product predicted by in silico programs is uncertain [REVEL: 0.35 (damaging >=0.6, benign <0.4), 3Cnet: 0.10 (damaging >0.75, benign <0.1)]. The same nucleotide change resulting in the same amino acid change has been previously reported as pathogenic/likely pathogenic with strong evidence (ClinVar ID: VCV000427111 /PMID: 35150594 /3billion dataset). The variant has been previously reported as de novo in a similarly affected individual (PMID: 35150594). Therefore, this variant is classified as Pathogenic according to the recommendation of ACMG/AMP guideline.

GeneDx
Classification: Pathogenic. Last evaluated: 2025-05-07. Review status: criteria provided, single submitter. Criteria: GeneDx Variant Classification Process June 2021. Collection method: clinical testing. Allele origin: germline. Affected: yes.
Comment: Identified in multiple individuals with a neuromuscular phenotype previously tested a GeneDx, including multiple de novo cases with confirmed parentage; Not observed at significant frequency in large population cohorts (gnomAD); In silico analysis supports that this missense variant has a deleterious effect on protein structure/function; This variant is associated with the following publications: (PMID: 36331550, 35150594, 38168508, 35982159, 33057194, 39095811, 40023774)

MVZ Medizinische Genetik Mainz
Classification: Pathogenic for Spastic paraplegia 91, autosomal dominant, with or without cerebellar ataxia. Last evaluated: 2025-02-05. Review status: criteria provided, single submitter. Criteria: UK Practice Guidelines For Variant Classification V4 01 2020. Collection method: clinical testing. Allele origin: germline. Inheritance: Autosomal dominant inheritance. Affected: yes. Observed: 1 variant allele.
Comment: ACMG Criteria: PS4,PP1_STR,PS2_MOD,PS3_SUP,PM1_SUP,PM2_SUP,PP2

Undiagnosed Diseases Network, NIH
Classification: Pathogenic for Spastic paraplegia 91, autosomal dominant, with or without cerebellar ataxia. Last evaluated: 2025-02-05. Review status: criteria provided, single submitter. Criteria: ACMG Guidelines, 2015. Collection method: clinical testing. Allele origin: de novo. Inheritance: Autosomal dominant inheritance. Affected: yes. Observed: 1 heterozygote. Study: Undiagnosed Diseases Network (NIH), UDN.

Labcorp Genetics (formerly Invitae), Labcorp
Classification: Pathogenic for Early-infantile DEE. Last evaluated: 2024-08-15. Review status: criteria provided, single submitter. Criteria: Invitae Variant Classification Sherloc (09022015). Collection method: clinical testing. Allele origin: germline.
Comment: This sequence change replaces arginine, which is basic and polar, with tryptophan, which is neutral and slightly polar, at codon 19 of the SPTAN1 protein (p.Arg19Trp). This variant is not present in population databases (gnomAD no frequency). This missense change has been observed in individual(s) with SPTAN1-related conditions (PMID: 35150594). In at least one individual the variant was observed to be de novo. It has also been observed to segregate with disease in related individuals. ClinVar contains an entry for this variant (Variation ID: 427111). Invitae Evidence Modeling of protein sequence and biophysical properties (such as structural, functional, and spatial information, amino acid conservation, physicochemical variation, residue mobility, and thermodynamic stability) has been performed for this missense variant. However, the output from this modeling did not meet the statistical confidence thresholds required to predict the impact of this variant on SPTAN1 protein function. For these reasons, this variant has been classified as Pathogenic.